The following is an entry in ClinVar:

NM_001851.6(COL9A1):c.1811G>A (p.Gly604Asp)

Gene: COL9A1 (collagen type IX alpha 1 chain; minus strand). Cytogenetic location: 6q13.
Variant type: single nucleotide variant.
Coding change: c.1811G>A on transcript NM_001851.6 (MANE Select); coding-DNA position 1811, G replaced by A.
Protein change: p.Gly604Asp; replaces glycine 604 with aspartic acid.
Molecular consequence: missense variant. On other transcripts: non-coding transcript variant (1).
Genome position (GRCh38, 1-based): chr6:70,252,269, C>T on the plus strand (G>A on the coding strand, the complement: COL9A1 is on the minus strand). VCF-style: chr6-70252269-C-T. GRCh37 (hg19) VCF-style: chr6-70961972-C-T.
Other names: c.1112G>A, p.Gly371Asp (NM_001377289.1); c.1082G>A, p.Gly361Asp (NM_001377290.1, NM_078485.4); short protein forms G361D, G604D, G371D.
Identifiers: ClinVar variation 2009933 (VCV002009933.4), dbSNP rs759260506, ClinGen allele CA3882006.

ClinVar aggregate classification (germline): Uncertain significance (1 of 4 stars; one submission).

Allele frequency attached by ClinVar (database versions not stated): ExAC 0.00001; gnomAD exomes 0.00001.
gnomAD v4.1: 3 of 1,614,182 alleles (0.00019%); highest among the groups gnomAD compares: South Asian, 0.0022%; no homozygotes.

Submission:

Labcorp Genetics (formerly Invitae), Labcorp
Classification: Uncertain significance. Last evaluated: 2022-06-23. Review status: criteria provided, single submitter. Criteria: Invitae Variant Classification Sherloc (09022015). Collection method: clinical testing. Allele origin: germline.
Comment: In summary, the available evidence is currently insufficient to determine the role of this variant in disease. Therefore, it has been classified as a Variant of Uncertain Significance. Advanced modeling of protein sequence and biophysical properties (such as structural, functional, and spatial information, amino acid conservation, physicochemical variation, residue mobility, and thermodynamic stability) performed at Invitae indicates that this missense variant is expected to disrupt COL9A1 protein function. This variant has not been reported in the literature in individuals affected with COL9A1-related conditions. This variant is present in population databases (rs759260506, gnomAD 0.003%). This sequence change replaces glycine, which is neutral and non-polar, with aspartic acid, which is acidic and polar, at codon 604 of the COL9A1 protein (p.Gly604Asp).